The following is an entry in ClinVar:

ClinVar aggregate classification (germline): Uncertain significance (1 of 4 stars; one submission).

Conditions:
Developmental and epileptic encephalopathy 94 (DEE94). Also called: CHD2-Related Neurodevelopmental Disorders; Epileptic encephalopathy, childhood-onset. Identifiers: Orphanet 1942, Orphanet 2382, MedGen C3809278, MONDO:0014150, OMIM 615369.

Submission:

Labcorp Genetics (formerly Invitae), Labcorp
Classification: Uncertain significance for Developmental and epileptic encephalopathy 94. Last evaluated: 2022-08-09. Review status: criteria provided, single submitter. Criteria: Invitae Variant Classification Sherloc (09022015). Collection method: clinical testing. Allele origin: germline.
Comment: This sequence change replaces histidine, which is basic and polar, with arginine, which is basic and polar, at codon 1525 of the CHD2 protein (p.His1525Arg). This variant is not present in population databases (gnomAD no frequency). This variant has not been reported in the literature in individuals affected with CHD2-related conditions. ClinVar contains an entry for this variant (Variation ID: 1429419). Advanced modeling of protein sequence and biophysical properties (such as structural, functional, and spatial information, amino acid conservation, physicochemical variation, residue mobility, and thermodynamic stability) performed at Invitae indicates that this missense variant is not expected to disrupt CHD2 protein function. In summary, the available evidence is currently insufficient to determine the role of this variant in disease. Therefore, it has been classified as a Variant of Uncertain Significance.

NM_001271.4(CHD2):c.4574A>G (p.His1525Arg)

Gene: CHD2 (chromodomain helicase DNA binding protein 2; plus strand). Cytogenetic location: 15q26.1.
Variant type: single nucleotide variant.
Coding change: c.4574A>G on transcript NM_001271.4 (MANE Select); coding-DNA position 4574, A replaced by G.
Protein change: p.His1525Arg; replaces histidine 1525 with arginine.
Molecular consequence: missense variant.
Genome position (GRCh38, 1-based): chr15:93,009,305, A>G. VCF-style: chr15-93009305-A-G. GRCh37 (hg19) VCF-style: chr15-93552535-A-G.
Other names: short protein forms H1525R.
Identifiers: ClinVar variation 1429419 (VCV001429419.8), dbSNP rs2141881676, ClinGen allele CA393904688.